The following is an entry in ClinVar:

ClinVar aggregate classification (germline): Pathogenic (1 of 4 stars; one submission).

Submission:

Labcorp Genetics (formerly Invitae), Labcorp
Classification: Pathogenic. Last evaluated: 2023-08-02. Review status: criteria provided, single submitter. Criteria: Invitae Variant Classification Sherloc (09022015). Collection method: clinical testing. Allele origin: germline.
Comment: For these reasons, this variant has been classified as Pathogenic. This variant has not been reported in the literature in individuals affected with XPC-related conditions. This variant is not present in population databases (gnomAD no frequency). This sequence change creates a premature translational stop signal (p.Asn356Thrfs*170) in the XPC gene. It is expected to result in an absent or disrupted protein product. Loss-of-function variants in XPC are known to be pathogenic (PMID: 23173980, 25256075).

Literature cited by the submitters: PubMed 23173980; PubMed 25256075.

NM_004628.5(XPC):c.1067del (p.Asn356fs)

Gene: XPC (XPC complex subunit, DNA damage recognition and repair factor; minus strand). Cytogenetic location: 3p25.1.
Variant type: Deletion.
Coding change: c.1067del on transcript NM_004628.5 (MANE Select); coding-DNA position 1067, one base deleted (A; older notation c.1067delA).
Protein change: p.Asn356fs; shifts the reading frame from asparagine 356.
Molecular consequence: frameshift variant. On other transcripts: non-coding transcript variant (2).
Genome position (GRCh38, 1-based): chr3:14,158,816, T deleted on the plus strand (A on the coding strand, the reverse complement: XPC is on the minus strand); the first of 4 consecutive T bases (chr3:14,158,816-14,158,819); deleting any one gives the same sequence. VCF-style (leftmost placement, unchanged base first): chr3-14158815-GT-G. GRCh37 (hg19) VCF-style: chr3-14200315-GT-G.
Other names: c.488del, p.Asn163fs (NM_001354726.2); c.1067del, p.Asn356fs (NM_001354727.2, NM_001354730.2); c.1049del, p.Asn350fs (NM_001354729.2); short protein forms N350fs, N163fs, N356fs.
Identifiers: ClinVar variation 2749371 (VCV002749371.3), dbSNP rs2470261221, ClinGen allele CA2697550699.